The following is an entry in ClinVar:

ClinVar aggregate classification (germline): Uncertain significance. Review status: criteria provided, multiple submitters, no conflicts (2 of 4 stars). 5 submissions from 3 submitters: Uncertain significance (5). Last evaluated 2026-03-07.

Conditions:
Cerebrooculofacioskeletal syndrome 1 (COFS1). Also called: Cerebro-oculo-facio-skeletal syndrome 1. Identifiers: MedGen C0220722, MONDO:0008955, OMIM 214150.
Age related macular degeneration 5. Identifiers: MedGen C3151063, MONDO:0013409, OMIM 613761.
Cockayne syndrome type 2 (CSB). Also called: Cockayne Syndrome, Type II; COCKAYNE SYNDROME B. Identifiers: Orphanet 191, Orphanet 90322, MedGen C0751038, MONDO:0019570, OMIM 133540.
Lung cancer. Also called: Malignant tumor of lung; Lung cancer, somatic. Identifiers: MedGen C0242379, MONDO:0008903, OMIM 211980.
DE SANCTIS-CACCHIONE SYNDROME. Identifiers: MedGen C0265201, MONDO:0010217, OMIM 278800.
Premature ovarian failure 11 (POF11). Identifiers: MedGen C4310783, MONDO:0014843, OMIM 616946.
UV-sensitive syndrome 1 (UVSS1). Identifiers: Orphanet 178338, MedGen C3551173, MONDO:0010909, OMIM 600630.

Allele frequency attached by ClinVar (database versions not stated): ExAC 0.00002; gnomAD exomes 0.00003 and 0.00011; gnomAD 0.00005; TOPMed 0.00005; ESP Exome Variant Server 0.00008.
gnomAD v4.1: 163 of 1,612,438 alleles (0.01%); highest among the groups gnomAD compares: Non-Finnish European, 0.013%; no homozygotes.

Submissions (5):

GeneDx
Classification: Uncertain significance. Last evaluated: 2026-03-07. Review status: criteria provided, single submitter. Criteria: GeneDx Variant Classification Process June 2021. Collection method: clinical testing. Allele origin: germline.
Comment: In silico analysis suggests that this variant does not alter splicing; Has not been previously published as pathogenic or benign to our knowledge

Fulgent Genetics
Classification: Uncertain significance for Cockayne syndrome type 2; Lung cancer; Cerebrooculofacioskeletal syndrome 1; DE SANCTIS-CACCHIONE SYNDROME; UV-sensitive syndrome 1; Age related macular degeneration 5; Premature ovarian failure 11. Last evaluated: 2021-08-12. Review status: criteria provided, single submitter. Criteria: ACMG Guidelines, 2015. Collection method: clinical testing. Allele origin: unknown.

Illumina Laboratory Services, Illumina
Classification: Uncertain significance for Cerebrooculofacioskeletal syndrome 1. Last evaluated: 2018-01-13. Review status: criteria provided, single submitter. Criteria: ICSL Variant Classification Criteria 13 December 2019. Collection method: clinical testing. Allele origin: germline.

Illumina Laboratory Services, Illumina
Classification: Uncertain significance for Age related macular degeneration 5. Last evaluated: 2018-01-13. Review status: criteria provided, single submitter. Criteria: ICSL Variant Classification Criteria 13 December 2019. Collection method: clinical testing. Allele origin: germline.

Illumina Laboratory Services, Illumina
Classification: Uncertain significance for Cockayne syndrome type 2. Last evaluated: 2018-01-13. Review status: criteria provided, single submitter. Criteria: ICSL Variant Classification Criteria 13 December 2019. Collection method: clinical testing. Allele origin: germline.

NM_000124.4(ERCC6):c.3983+4A>G

Gene: ERCC6 (ERCC excision repair 6, chromatin remodeling factor; minus strand). Cytogenetic location: 10q11.23.
Variant type: single nucleotide variant.
Coding change: c.3983+4A>G on transcript NM_000124.4 (MANE Select); 4 bases into the intron after coding-DNA position 3983, A replaced by G.
Molecular consequence: intron variant.
Genome position (GRCh38, 1-based): chr10:49,461,348, T>C on the plus strand (A>G on the coding strand, the complement: ERCC6 is on the minus strand). VCF-style: chr10-49461348-T-C. GRCh37 (hg19) VCF-style: chr10-50669394-T-C.
Other names: c.3983+4A>G (NM_001346440.2).
Identifiers: ClinVar variation 878360 (VCV000878360.6), dbSNP rs370938370, ClinGen allele CA5495219.
Genomic context (GRCh38, chr10:49,461,348, plus strand): 5'-TGATTTTATTTCTAGCCTTAGTTGTTTGGACTCCTTGCAAGTATGGCATGCAGCAATCTC[T>C]TACTTTTTTCCTGCTGGTGCACCAGAAATCCCCCTGTGGCCAGTCCAGGTGGGAACACCA-3'